The following is an entry in ClinVar:

NM_172107.4(KCNQ2):c.737_748del (p.Ala246_Leu249del)

Gene: KCNQ2 (potassium voltage-gated channel subfamily Q member 2; minus strand). Cytogenetic location: 20q13.33.
Variant type: Deletion.
Coding change: c.737_748del on transcript NM_172107.4 (MANE Select); coding-DNA positions 737 to 748, 12 bases deleted (CCTCGTTCCTGG).
Protein change: p.Ala246_Leu249del.
Molecular consequence: inframe deletion.
Genome position (GRCh38, 1-based): chr20:63,442,474-63,442,485, CCAGGAACGAGG deleted on the plus strand (CCTCGTTCCTGG on the coding strand, the reverse complement: KCNQ2 is on the minus strand); deleting any 12 consecutive bases within chr20:63,442,474-63,442,491 gives the same sequence; the c. name uses the placement nearest the transcript's 3' end. VCF-style (leftmost placement, unchanged base first): chr20-63442473-ACCAGGAACGAGG-A. GRCh37 (hg19) VCF-style: chr20-62073826-ACCAGGAACGAGG-A.
Other names: c.737_748del, p.Ala246_Leu249del (NM_001382235.1, NM_004518.6, NM_172106.3 and 2 more transcripts).
Identifiers: ClinVar variation 2042330 (VCV002042330.4), dbSNP rs2516447397, ClinGen allele CA2580098746.

ClinVar aggregate classification (germline): Pathogenic (1 of 4 stars; one submission).

Conditions:
Early-infantile DEE. Also called: Early infantile epileptic encephalopathy; Ohtahara syndrome; Early infantile epileptic encephalopathy with suppression bursts. Identifiers: Orphanet 1934, MedGen C0393706, MONDO:0800491.

Submission:

Labcorp Genetics (formerly Invitae), Labcorp
Classification: Pathogenic for Early-infantile DEE. Last evaluated: 2021-12-13. Review status: criteria provided, single submitter. Criteria: Invitae Variant Classification Sherloc (09022015). Collection method: clinical testing. Allele origin: germline.
Comment: This variant, c.737_748del, results in the deletion of 4 amino acid(s) of the KCNQ2 protein (p.Ala246_Leu249del), but otherwise preserves the integrity of the reading frame. This variant is not present in population databases (gnomAD no frequency). This variant has not been reported in the literature in individuals affected with KCNQ2-related conditions. Experimental studies and prediction algorithms are not available or were not evaluated, and the functional significance of this variant is currently unknown. This variant disrupts a region of the KCNQ2 protein in which other variant(s) (p.Ser247Trp) have been determined to be pathogenic (PMID: 12742592; Invitae). This suggests that this is a clinically significant region of the protein, and that variants that disrupt it are likely to be disease-causing. For these reasons, this variant has been classified as Pathogenic.

Literature cited by the submitters: PubMed 12742592.